The following is an entry in ClinVar:

NM_002303.6(LEPR):c.2219T>C (p.Ile740Thr)

Gene: LEPR (leptin receptor; plus strand). Cytogenetic location: 1p31.3.
Variant type: single nucleotide variant.
Coding change: c.2219T>C on transcript NM_002303.6 (MANE Select); coding-DNA position 2219, T replaced by C.
Protein change: p.Ile740Thr; replaces isoleucine 740 with threonine.
Molecular consequence: missense variant.
Genome position (GRCh38, 1-based): chr1:65,617,970, T>C. VCF-style: chr1-65617970-T-C. GRCh37 (hg19) VCF-style: chr1-66083653-T-C.
Other names: c.2219T>C, p.Ile740Thr (NM_001003679.3, NM_001003680.3, NM_001198687.2 and 2 more transcripts); short protein forms I740T.
Identifiers: ClinVar variation 4997422 (VCV004997422.1).

ClinVar aggregate classification (germline): Uncertain significance (1 of 4 stars; one submission).

Conditions:
LEPR-related disorder. Also called: LEPR-related disorders; LEPR-related condition.

gnomAD v4.1: 3 of 1,608,482 alleles (0.00019%); highest among the groups gnomAD compares: East Asian, 0.0022%; no homozygotes.

Submission:

PreventionGenetics, part of Exact Sciences
Classification: Uncertain significance for LEPR-related condition. Last evaluated: 2025-03-02. Review status: criteria provided, single submitter. Criteria: ACMG Guidelines, 2015. Collection method: clinical testing. Allele origin: germline.
Comment: The LEPR c.2219T>C variant is predicted to result in the amino acid substitution p.Ile740Thr. To our knowledge, this variant has not been reported in the literature. This variant is reported in 0.0055% of alleles in individuals of East Asian descent in gnomAD. At this time, the clinical significance of this variant is uncertain due to the absence of conclusive functional and genetic evidence.